The following is an entry in ClinVar:

NM_001048174.2(MUTYH):c.1555G>A (p.Ala519Thr)

Gene: MUTYH (mutY DNA glycosylase; minus strand). Cytogenetic location: 1p34.1.
Variant type: single nucleotide variant.
Coding change: c.1555G>A on transcript NM_001048174.2 (MANE Select); coding-DNA position 1555, G replaced by A.
Protein change: p.Ala519Thr; replaces alanine 519 with threonine.
Molecular consequence: missense variant. On other transcripts: non-coding transcript variant (2).
Genome position (GRCh38, 1-based): chr1:45,329,317, C>T on the plus strand (G>A on the coding strand, the complement: MUTYH is on the minus strand). VCF-style: chr1-45329317-C-T. GRCh37 (hg19) VCF-style: chr1-45794989-C-T.
Other names: c.1555G>A, p.Ala519Thr (NM_001048171.2, NM_001048173.2, NM_001293195.2); c.1558G>A, p.Ala520Thr (NM_001048172.2); c.1639G>A, p.Ala547Thr (NM_001128425.2); c.1600G>A, p.Ala534Thr (NM_001293190.2); c.1588G>A, p.Ala530Thr (NM_001293191.2); c.1279G>A, p.Ala427Thr (NM_001293192.2, NM_001293196.2); c.1210G>A, p.Ala404Thr (NM_001350650.2, NM_001350651.2); c.1630G>A, p.Ala544Thr (NM_012222.3); short protein forms A427T, A519T, A534T, A547T, A520T, A530T, A404T, A544T.
Identifiers: ClinVar variation 926454 (VCV000926454.14), dbSNP rs1644345586, ClinGen allele CA340131496.

ClinVar aggregate classification (germline): Conflicting classifications of pathogenicity. Review status: criteria provided, conflicting classifications (1 of 4 stars). 4 submissions from 4 submitters: Uncertain significance (3); Benign (1). Last evaluated 2025-10-25.

Conditions:
Familial adenomatous polyposis 2. Also called: Adenomas, multiple colorectal; MUTYH Polyposis; COLORECTAL ADENOMATOUS POLYPOSIS, AUTOSOMAL RECESSIVE; ADENOMAS, MULTIPLE COLORECTAL, AUTOSOMAL RECESSIVE; MUTYH-associated polyposis; MUTYH-related attenuated familial adenomatous polyposis. Identifiers: Orphanet 220460, Orphanet 247798, MedGen C3272841, MONDO:0012041, OMIM 608456.
Hereditary cancer-predisposing syndrome. Also called: Neoplastic Syndromes, Hereditary; Tumor predisposition; Hereditary Cancer Syndrome; Hereditary neoplastic syndrome. Identifiers: Orphanet 140162, MedGen C0027672, MeSH D009386, MONDO:0015356.

Allele frequency attached by ClinVar (database versions not stated): gnomAD exomes below 0.00001.
gnomAD v4.1: 1 of 1,614,198 alleles (0.000062%); highest among the groups gnomAD compares: Non-Finnish European, 0.000085%; no homozygotes.

Submissions (4):

Labcorp Genetics (formerly Invitae), Labcorp
Classification: Uncertain significance for Familial adenomatous polyposis 2. Last evaluated: 2025-10-25. Review status: criteria provided, single submitter. Criteria: Invitae Variant Classification Sherloc (09022015). Collection method: clinical testing. Allele origin: germline.
Comment: This sequence change replaces alanine, which is neutral and non-polar, with threonine, which is neutral and polar, at codon 547 of the MUTYH protein (p.Ala547Thr). This variant is not present in population databases (gnomAD no frequency). This variant has not been reported in the literature in individuals affected with MUTYH-related conditions. ClinVar contains an entry for this variant (Variation ID: 926454). An algorithm developed to predict the effect of missense changes on protein structure and function outputs the following: PolyPhen-2: "Benign". The threonine amino acid residue is found in multiple mammalian species, which suggests that this missense change does not adversely affect protein function. In summary, the available evidence is currently insufficient to determine the role of this variant in disease. Therefore, it has been classified as a Variant of Uncertain Significance.

Ambry Genetics
Classification: Benign for Hereditary cancer-predisposing syndrome. Last evaluated: 2025-09-09. Review status: criteria provided, single submitter. Criteria: Ambry Variant Classification Scheme 2023. Collection method: clinical testing. Allele origin: germline.

Quest Diagnostics Nichols Institute San Juan Capistrano
Classification: Uncertain significance. Last evaluated: 2025-04-15. Review status: criteria provided, single submitter. Criteria: Quest Diagnostics criteria. Collection method: clinical testing. Allele origin: unknown.
Comment: The MUTYH c.1639G>A (p.Ala547Thr) variant has not been reported in individuals with MUTYH-related conditions in the published literature. It also has not been reported in large, multi-ethnic general populations (Genome Aggregation Database). Analysis of this variant using bioinformatics tools for the prediction of the effect of amino acid changes on protein structure and function yielded predictions that this variant is benign. Based on the available information, we are unable to determine the clinical significance of this variant.

Color Diagnostics, LLC DBA Color Health
Classification: Uncertain significance for Hereditary cancer-predisposing syndrome. Last evaluated: 2021-04-26. Review status: criteria provided, single submitter. Criteria: ACMG Guidelines, 2015. Collection method: clinical testing. Allele origin: germline.
Comment: This missense variant replaces alanine with threonine at codon 547 of the MUTYH protein. Computational prediction suggests that this variant may not impact protein structure and function (internally defined REVEL score threshold <= 0.5, PMID: 27666373). To our knowledge, functional studies have not been reported for this variant. This variant has not been reported in individuals affected with hereditary cancer in the literature. This variant has not been identified in the general population by the Genome Aggregation Database (gnomAD). The available evidence is insufficient to determine the role of this variant in disease conclusively. Therefore, this variant is classified as a Variant of Uncertain Significance.

Literature cited by the submitters: PubMed 29967336 (cited by Ambry Genetics).